The following is an entry in ClinVar:

NM_015021.3(ZNF292):c.6750AGA[2] (p.Glu2252del)

Gene: ZNF292 (zinc finger protein 292; plus strand). Cytogenetic location: 6q14.3.
Variant type: Microsatellite.
Coding change: c.6750AGA[2] on transcript NM_015021.3 (MANE Select); two copies in a row of the 3-base unit AGA starting at c.6750; the reference has three copies in a row; one copy, 3 bases deleted; also written c.6756_6758del.
Protein change: p.Glu2252del; deletes glutamic acid 2252.
Genome position (GRCh38, 1-based): chr6:87,260,385-87,260,387, AGA deleted; deleting any 3 consecutive bases within chr6:87,260,379-87,260,387 gives the same sequence; the position shown is the placement nearest the transcript's 3' end. VCF-style (leftmost placement, unchanged base first): chr6-87260378-CAGA-C. GRCh37 (hg19) VCF-style: chr6-87970096-CAGA-C.
Other names: c.6756_6758del (NM_015021.3); c.6756_6758delAGA (NM_015021.1); c.6330AGA[2], p.Glu2112del (NM_001351444.2); short protein forms E2252del, E2112del.
Identifiers: ClinVar variation 3594164 (VCV003594164.2).

ClinVar aggregate classification (germline): Uncertain significance. Review status: criteria provided, multiple submitters, no conflicts (2 of 4 stars). 2 submissions from 2 submitters: Uncertain significance (2). Last evaluated 2025-07-16.

Conditions:
Intellectual developmental disorder, autosomal dominant 64. Also called: MENTAL RETARDATION, AUTOSOMAL DOMINANT 64. Identifiers: MedGen C5543067, MONDO:0030934, OMIM 619188.
Inborn genetic diseases. Identifiers: MedGen C0950123, MeSH D030342.

Submissions (2):

Ambry Genetics
Classification: Uncertain significance for Inborn genetic diseases. Last evaluated: 2025-07-16. Review status: criteria provided, single submitter. Criteria: Ambry Variant Classification Scheme 2023. Collection method: clinical testing. Allele origin: germline.
Comment: The c.6756_6758delAGA (p.E2252del) alteration, located in coding exon 8 of the ZNF292 gene, results from an in-frame deletion of 3 nucleotides at positions c.6756 to c.6758. This results in the deletion of 1 amino acid at codon 2252. Based on data from gnomAD, this allele has an overall frequency of 0.001% (2/280126) total alleles studied. The highest observed frequency was 0.002% (2/128102) of European (non-Finnish) alleles. This amino acid position is not well conserved in available vertebrate species. This alteration is predicted to be neutral by in silico analysis (Choi, 2012). Based on insufficient or conflicting evidence, the clinical significance of this alteration remains unclear.

Fulgent Genetics
Classification: Uncertain significance for Intellectual developmental disorder, autosomal dominant 64. Last evaluated: 2024-01-12. Review status: criteria provided, single submitter. Criteria: ACMG Guidelines, 2015. Collection method: clinical testing. Allele origin: germline.